The following is an entry in ClinVar:

ClinVar aggregate classification (germline): Uncertain significance (1 of 4 stars; one submission).

Allele frequency attached by ClinVar (database versions not stated): ExAC 0.00001; gnomAD 0.00001.
gnomAD v4.1: 11 of 1,578,506 alleles (0.0007%); highest among the groups gnomAD compares: Middle Eastern, 0.05%; no homozygotes.

Submission:

Labcorp Genetics (formerly Invitae), Labcorp
Classification: Uncertain significance. Last evaluated: 2022-08-23. Review status: criteria provided, single submitter. Criteria: Invitae Variant Classification Sherloc (09022015). Collection method: clinical testing. Allele origin: germline.
Comment: This sequence change replaces alanine, which is neutral and non-polar, with valine, which is neutral and non-polar, at codon 1441 of the MAPKBP1 protein (p.Ala1441Val). The frequency data for this variant in the population databases is considered unreliable, as metrics indicate poor data quality at this position in the gnomAD database. This variant has not been reported in the literature in individuals affected with MAPKBP1-related conditions. Algorithms developed to predict the effect of missense changes on protein structure and function output the following: SIFT: "Tolerated"; PolyPhen-2: "Benign"; Align-GVGD: "Class C0". The valine amino acid residue is found in multiple mammalian species, which suggests that this missense change does not adversely affect protein function. In summary, the available evidence is currently insufficient to determine the role of this variant in disease. Therefore, it has been classified as a Variant of Uncertain Significance.

NM_014994.3(MAPKBP1):c.4304C>T (p.Ala1435Val)

Gene: MAPKBP1 (mitogen-activated protein kinase binding protein 1; plus strand). Cytogenetic location: 15q15.1.
Variant type: single nucleotide variant.
Coding change: c.4304C>T on transcript NM_014994.3 (MANE Select); coding-DNA position 4304, C replaced by T.
Protein change: p.Ala1435Val; replaces alanine 1435 with valine.
Molecular consequence: missense variant. On other transcripts: non-coding transcript variant (2).
Genome position (GRCh38, 1-based): chr15:41,825,213, C>T. VCF-style: chr15-41825213-C-T. GRCh37 (hg19) VCF-style: chr15-42117411-C-T.
Other names: c.4322C>T, p.Ala1441Val (NM_001128608.2); c.3473C>T, p.Ala1158Val (NM_001265611.2); short protein forms A1158V, A1435V, A1441V.
Identifiers: ClinVar variation 1951521 (VCV001951521.2), dbSNP rs775497674, ClinGen allele CA7498814.